The following is an entry in ClinVar:

NM_005585.5(SMAD6):c.1050C>G (p.Tyr350Ter)

Gene: SMAD6 (SMAD family member 6; plus strand). Cytogenetic location: 15q22.31.
Variant type: single nucleotide variant.
Coding change: c.1050C>G on transcript NM_005585.5 (MANE Select); coding-DNA position 1050, C replaced by G.
Protein change: p.Tyr350Ter; replaces tyrosine 350 with a stop codon.
Molecular consequence: nonsense. On other transcripts: non-coding transcript variant (1).
Genome position (GRCh38, 1-based): chr15:66,781,094, C>G. VCF-style: chr15-66781094-C-G. GRCh37 (hg19) VCF-style: chr15-67073432-C-G.
Other names: short protein forms Y350*.
Identifiers: ClinVar variation 690426 (VCV000690426.8), dbSNP rs200493039, ClinGen allele CA393201753.
Genomic context (GRCh38, chr15:66,781,094, plus strand): 5'-CTGGTGCAGCGTGGCGTACTGGGAGCACCGGACGCGCGTGGGCCGCCTCTATGCGGTGTA[C>G]GACCAGGCCGTCAGCATCTTCTACGACCTACCTCAGGGCAGCGGCTTCTGCCTGGGCCAG-3'

ClinVar aggregate classification (germline): Uncertain significance. Review status: criteria provided, single submitter (1 of 4 stars). 3 submissions from 3 submitters: Uncertain significance (1). 2 of the submissions do not count toward it. Last evaluated 2023-01-01.

Conditions:
Radioulnar synostosis, nonsyndromic, susceptibility to. Identifiers: MedGen C5241445, MONDO:0100183, OMIM 179300.
Radioulnar synostosis. Also called: Congenital radioulnar synostosis. Identifiers: Orphanet 3269, MedGen C0158761, MONDO:0017985, HP:0002974.
Aortic valve disease 2 (AOVD2). Identifiers: MedGen C3542024, MONDO:0013902, OMIM 614823.

gnomAD v4.1: 7 of 1,607,894 alleles (0.00044%); highest among the groups gnomAD compares: Non-Finnish European, 0.00059%; no homozygotes.

Submissions (3):

Labcorp Genetics (formerly Invitae), Labcorp
Classification: Uncertain significance for Aortic valve disease 2. Last evaluated: 2023-01-01. Review status: criteria provided, single submitter. Criteria: Invitae Variant Classification Sherloc (09022015). Collection method: clinical testing. Allele origin: germline.
Comment: Experimental studies and prediction algorithms are not available or were not evaluated, and the functional significance of this variant is currently unknown. In summary, the available evidence is currently insufficient to determine the role of this variant in disease. Therefore, it has been classified as a Variant of Uncertain Significance. ClinVar contains an entry for this variant (Variation ID: 690426). This premature translational stop signal has been observed in individual(s) with nonsyndromic radioulnar synostosis (PMID: 31138930). This variant is present in population databases (no rsID available, gnomAD 0.003%). This sequence change creates a premature translational stop signal (p.Tyr350*) in the SMAD6 gene. While this is not anticipated to result in nonsense mediated decay, it is expected to disrupt the last 147 amino acid(s) of the SMAD6 protein.

OMIM
Classification: risk factor for RADIOULNAR SYNOSTOSIS, NONSYNDROMIC, SUSCEPTIBILITY TO. Last evaluated: 2020-05-27. Review status: no assertion criteria provided. Collection method: literature only. Allele origin: germline. Not counted in ClinVar's aggregate classification.

The Laboratory of Genetics and Metabolism, Hunan Children’s Hospital
Classification: Uncertain significance for radioulnar synostosis. Last evaluated: 2019-05-14. Review status: no assertion criteria provided. Collection method: case-control. Allele origin: paternal, unknown. Affected: yes. Not counted in ClinVar's aggregate classification.
Comment: PVS1, PM2, PP4, BS4

Literature cited by the submitters: PubMed 31138930 (cited by Labcorp Genetics (formerly Invitae), Labcorp and OMIM).